The following is an entry in ClinVar:

NM_001142800.2(EYS):c.5845T>C (p.Tyr1949His)

Gene: EYS (EGF-like photoreceptor maintenance factor; minus strand). Cytogenetic location: 6q12.
Variant type: single nucleotide variant.
Coding change: c.5845T>C on transcript NM_001142800.2 (MANE Select); coding-DNA position 5845, T replaced by C.
Protein change: p.Tyr1949His; replaces tyrosine 1949 with histidine.
Molecular consequence: missense variant.
Genome position (GRCh38, 1-based): chr6:64,436,256, A>G on the plus strand (T>C on the coding strand, the complement: EYS is on the minus strand). VCF-style: chr6-64436256-A-G. GRCh37 (hg19) VCF-style: chr6-65146149-A-G.
Other names: c.5845T>C, p.Tyr1949His (NM_001292009.2); short protein forms Y1949H.
Identifiers: ClinVar variation 3011814 (VCV003011814.3), dbSNP rs2533217809, ClinGen allele CA364392456.

ClinVar aggregate classification (germline): Uncertain significance (1 of 4 stars; one submission).

Allele frequency attached by ClinVar (database versions not stated): gnomAD exomes below 0.00001.
gnomAD v4.1: 2 of 1,538,700 alleles (0.00013%); highest among the groups gnomAD compares: Non-Finnish European, 0.00018%; no homozygotes.

Submission:

Labcorp Genetics (formerly Invitae), Labcorp
Classification: Uncertain significance. Last evaluated: 2023-05-27. Review status: criteria provided, single submitter. Criteria: Invitae Variant Classification Sherloc (09022015). Collection method: clinical testing. Allele origin: germline.
Comment: In summary, the available evidence is currently insufficient to determine the role of this variant in disease. Therefore, it has been classified as a Variant of Uncertain Significance. Advanced modeling of protein sequence and biophysical properties (such as structural, functional, and spatial information, amino acid conservation, physicochemical variation, residue mobility, and thermodynamic stability) has been performed at Invitae for this missense variant, however the output from this modeling did not meet the statistical confidence thresholds required to predict the impact of this variant on EYS protein function. This variant has not been reported in the literature in individuals affected with EYS-related conditions. This variant is not present in population databases (gnomAD no frequency). This sequence change replaces tyrosine, which is neutral and polar, with histidine, which is basic and polar, at codon 1949 of the EYS protein (p.Tyr1949His).